The following is an entry in ClinVar:

NM_000081.4(LYST):c.6444T>A (p.Asn2148Lys)

Gene: LYST (lysosomal trafficking regulator; minus strand). Cytogenetic location: 1q42.3.
Variant type: single nucleotide variant.
Coding change: c.6444T>A on transcript NM_000081.4 (MANE Select); coding-DNA position 6444, T replaced by A.
Protein change: p.Asn2148Lys; replaces asparagine 2148 with lysine.
Molecular consequence: missense variant.
Genome position (GRCh38, 1-based): chr1:235,759,409, A>T on the plus strand (T>A on the coding strand, the complement: LYST is on the minus strand). VCF-style: chr1-235759409-A-T. GRCh37 (hg19) VCF-style: chr1-235922709-A-T.
Other names: c.6444T>A, p.Asn2148Lys (NM_001301365.1); short protein forms N2148K.
Identifiers: ClinVar variation 3363336 (VCV003363336.2).

ClinVar aggregate classification (germline): Uncertain significance (1 of 4 stars; one submission).

gnomAD v4.1: 10 of 1,613,964 alleles (0.00062%); highest among the groups gnomAD compares: African/African-American, 0.0013%; no homozygotes.

Submission:

GeneDx
Classification: Uncertain significance. Last evaluated: 2026-02-13. Review status: criteria provided, single submitter. Criteria: GeneDx Variant Classification Process June 2021. Collection method: clinical testing. Allele origin: germline.
Comment: Not observed at significant frequency in large population cohorts (gnomAD); In silico analysis suggests that this missense variant does not alter protein structure/function; Has not been previously published as pathogenic or benign to our knowledge